The following is an entry in ClinVar:

NM_001134363.3(RBM20):c.1021C>G (p.Pro341Ala)

Gene: RBM20 (RNA binding motif protein 20; plus strand). Cytogenetic location: 10q25.2.
Variant type: single nucleotide variant.
Coding change: c.1021C>G on transcript NM_001134363.3 (MANE Select); coding-DNA position 1021, C replaced by G.
Protein change: p.Pro341Ala; replaces proline 341 with alanine.
Molecular consequence: missense variant.
Genome position (GRCh38, 1-based): chr10:110,781,630, C>G. VCF-style: chr10-110781630-C-G. GRCh37 (hg19) VCF-style: chr10-112541388-C-G.
Other names: short protein forms P341A.
Identifiers: ClinVar variation 2982823 (VCV002982823.4), dbSNP rs1844350860, ClinGen allele CA378385337.

ClinVar aggregate classification (germline): Uncertain significance. Review status: criteria provided, multiple submitters, no conflicts (2 of 4 stars). 2 submissions from 2 submitters: Uncertain significance (2). Last evaluated 2025-09-22.

Conditions:
Dilated cardiomyopathy 1DD (CMD1DD). Identifiers: Orphanet 154, MedGen C2750995, MONDO:0013168, OMIM 613172.
Cardiovascular phenotype. Identifiers: MedGen CN230736.

Allele frequency attached by ClinVar (database versions not stated): TOPMed 0.00001.

Submissions (2):

Ambry Genetics
Classification: Uncertain significance for Cardiovascular phenotype. Last evaluated: 2025-09-22. Review status: criteria provided, single submitter. Criteria: Ambry Variant Classification Scheme 2023. Collection method: clinical testing. Allele origin: germline.

Labcorp Genetics (formerly Invitae), Labcorp
Classification: Uncertain significance for Dilated cardiomyopathy 1DD. Last evaluated: 2023-11-06. Review status: criteria provided, single submitter. Criteria: Invitae Variant Classification Sherloc (09022015). Collection method: clinical testing. Allele origin: germline.
Comment: This sequence change replaces proline, which is neutral and non-polar, with alanine, which is neutral and non-polar, at codon 341 of the RBM20 protein (p.Pro341Ala). This variant is not present in population databases (gnomAD no frequency). This variant has not been reported in the literature in individuals affected with RBM20-related conditions. Advanced modeling of protein sequence and biophysical properties (such as structural, functional, and spatial information, amino acid conservation, physicochemical variation, residue mobility, and thermodynamic stability) performed at Invitae indicates that this missense variant is not expected to disrupt RBM20 protein function with a negative predictive value of 95%. In summary, the available evidence is currently insufficient to determine the role of this variant in disease. Therefore, it has been classified as a Variant of Uncertain Significance.